The following is an entry in ClinVar:

ClinVar aggregate classification (germline): Uncertain significance (1 of 4 stars; one submission).

Submission:

Ambry Genetics
Classification: Uncertain significance. Last evaluated: 2025-10-01. Review status: criteria provided, single submitter. Criteria: Ambry Variant Classification Scheme 2023. Collection method: clinical testing. Allele origin: germline.
Comment: The p.Q745P variant (also known as c.2234A>C), located in coding exon 13 of the GEN1 gene, results from an A to C substitution at nucleotide position 2234. The glutamine at codon 745 is replaced by proline, an amino acid with similar properties. This amino acid position is conserved. In addition, this alteration is predicted to be tolerated by in silico analysis. Based on the available evidence, the clinical significance of this variant remains unclear.

NM_001130009.3(GEN1):c.2234A>C (p.Gln745Pro)

Gene: GEN1 (GEN1 structure-specific endonuclease; plus strand). Cytogenetic location: 2p24.2.
Variant type: single nucleotide variant.
Coding change: c.2234A>C on transcript NM_001130009.3 (MANE Select); coding-DNA position 2234, A replaced by C.
Protein change: p.Gln745Pro; replaces glutamine 745 with proline.
Molecular consequence: missense variant.
Genome position (GRCh38, 1-based): chr2:17,781,446, A>C. VCF-style: chr2-17781446-A-C. GRCh37 (hg19) VCF-style: chr2-17962713-A-C.
Other names: c.2234A>C, p.Gln745Pro (NM_182625.5); short protein forms Q745P.
Identifiers: ClinVar variation 4671458 (VCV004671458.1).
Genomic context (GRCh38, chr2:17,781,446, plus strand): 5'-GAATTCCCTTGCAAAATGAATCCAGAGACTCTAAAATTCTAAAAGGAGACCAGCTGCTTC[A>C]AGAAGACTATAAAGTCAATACTTCTGTCCCTTATTCTGTCAGTAACACAGTGGTAAAGAC-3'
Protein context (NP_001123481.3, residues 735-755): SKILKGDQLL[Gln745Pro]EDYKVNTSVP